The following is an entry in ClinVar:

NM_002485.5(NBN):c.361G>T (p.Asp121Tyr)

Gene: NBN (nibrin; minus strand). Cytogenetic location: 8q21.3.
Variant type: single nucleotide variant.
Coding change: c.361G>T on transcript NM_002485.5 (MANE Select); coding-DNA position 361, G replaced by T.
Protein change: p.Asp121Tyr; replaces aspartic acid 121 with tyrosine.
Molecular consequence: missense variant.
Genome position (GRCh38, 1-based): chr8:89,980,853, C>A on the plus strand (G>T on the coding strand, the complement: NBN is on the minus strand). VCF-style: chr8-89980853-C-A. GRCh37 (hg19) VCF-style: chr8-90993081-C-A.
Other names: c.115G>T, p.Asp39Tyr (NM_001024688.3); short protein forms D121Y, D39Y.
Identifiers: ClinVar variation 481873 (VCV000481873.8), dbSNP rs777916019, ClinGen allele CA371662084.
Genomic context (GRCh38, chr8:89,980,853, plus strand): 5'-TTACAGTAAATCCTCCAAGTTGCAATATAGCTTGATTTAAAGCAGTTTTCCCAGAGACAT[C>A]TAAACAAGAAGAGCATGCAACCAAAGGCTCATACTCTATTCTGTAAATGAGAATAAGTTA-3'
Protein context (NP_002476.2, residues 111-131): EPLVACSSCL[Asp121Tyr]VSGKTALNQA

ClinVar aggregate classification (germline): Uncertain significance. Review status: criteria provided, multiple submitters, no conflicts (2 of 4 stars). 2 submissions from 2 submitters: Uncertain significance (2). Last evaluated 2025-07-09.

Conditions:
Hereditary cancer-predisposing syndrome. Also called: Neoplastic Syndromes, Hereditary; Tumor predisposition; Hereditary Cancer Syndrome; Hereditary neoplastic syndrome. Identifiers: Orphanet 140162, MedGen C0027672, MeSH D009386, MONDO:0015356.

Allele frequency attached by ClinVar (database versions not stated): TOPMed 0.00002.

Submissions (2):

Ambry Genetics
Classification: Uncertain significance for Hereditary cancer-predisposing syndrome. Last evaluated: 2025-07-09. Review status: criteria provided, single submitter. Criteria: Ambry Variant Classification Scheme 2023. Collection method: clinical testing. Allele origin: germline.
Comment: The p.D121Y variant (also known as c.361G>T), located in coding exon 4 of the NBN gene, results from a G to T substitution at nucleotide position 361. The aspartic acid at codon 121 is replaced by tyrosine, an amino acid with highly dissimilar properties. This amino acid position is highly conserved in available vertebrate species. In addition, this alteration is predicted to be deleterious by in silico analysis. Since supporting evidence is limited at this time, the clinical significance of this alteration remains unclear.

Women's Health and Genetics/Laboratory Corporation of America, LabCorp
Classification: Uncertain significance. Last evaluated: 2023-11-03. Review status: criteria provided, single submitter. Criteria: LabCorp Variant Classification Summary - May 2015. Collection method: clinical testing. Allele origin: germline.